The following is an entry in ClinVar:

ClinVar aggregate classification (germline): Uncertain significance (1 of 4 stars; one submission).

Conditions:
Charcot-Marie-Tooth disease axonal type 2C (HMSN2C). Also called: CHARCOT-MARIE-TOOTH DISEASE, AXONAL, AUTOSOMAL DOMINANT, TYPE 2C; Charcot-Marie-Tooth Neuropathy Type 2C; Charcot-Marie-Tooth Disease Type 2, TRPV4-Related (CMT2C). Identifiers: Orphanet 99937, MedGen C1853710, MONDO:0011633, OMIM 606071.

Submission:

Labcorp Genetics (formerly Invitae), Labcorp
Classification: Uncertain significance for Charcot-Marie-Tooth disease axonal type 2C. Last evaluated: 2023-05-07. Review status: criteria provided, single submitter. Criteria: Invitae Variant Classification Sherloc (09022015). Collection method: clinical testing. Allele origin: germline.
Comment: This variant is not present in population databases (gnomAD no frequency). In summary, the available evidence is currently insufficient to determine the role of this variant in disease. Therefore, it has been classified as a Variant of Uncertain Significance. Experimental studies and prediction algorithms are not available or were not evaluated, and the functional significance of this variant is currently unknown. This variant has not been reported in the literature in individuals affected with TRPV4-related conditions. This variant, c.360_362del, results in the deletion of 1 amino acid(s) of the TRPV4 protein (p.Asn120del), but otherwise preserves the integrity of the reading frame.

NM_021625.5(TRPV4):c.357CAA[1] (p.Asn120del)

Gene: TRPV4 (transient receptor potential cation channel subfamily V member 4; minus strand). Cytogenetic location: 12q24.11.
Variant type: Microsatellite.
Coding change: c.357CAA[1] on transcript NM_021625.5 (MANE Select); one copy of the 3-base unit CAA starting at c.357; the reference has two copies in a row; one copy, 3 bases deleted.
Protein change: p.Asn120del; deletes asparagine 120.
Molecular consequence: inframe indel (on NM_001177428.2).
Genome position (GRCh38, 1-based): chr12:109,814,435-109,814,437, TTG deleted on the plus strand (CAA on the coding strand, the reverse complement: TRPV4 is on the minus strand); deleting any 3 consecutive bases within chr12:109,814,435-109,814,441 gives the same sequence; the position shown is the placement nearest the transcript's 3' end. VCF-style (leftmost placement, unchanged base first): chr12-109814434-CTTG-C. GRCh37 (hg19) VCF-style: chr12-110252239-CTTG-C.
Other names: c.356_358ACA[1], p.Asn120del (NM_001177428.2, NM_001177433.2, NM_147204.3); c.254_256ACA[1], p.Asn86del (NM_001177431.2); short protein forms N120del, N86del.
Identifiers: ClinVar variation 2862427 (VCV002862427.3), dbSNP rs2548802612, ClinGen allele CA2575286623.